The following is an entry in ClinVar:

NM_000875.5(IGF1R):c.2962G>A (p.Val988Ile)

Gene: IGF1R (insulin like growth factor 1 receptor; plus strand). Cytogenetic location: 15q26.3.
Variant type: single nucleotide variant.
Coding change: c.2962G>A on transcript NM_000875.5 (MANE Select); coding-DNA position 2962, G replaced by A.
Protein change: p.Val988Ile; replaces valine 988 with isoleucine.
Molecular consequence: missense variant.
Genome position (GRCh38, 1-based): chr15:98,934,829, G>A. VCF-style: chr15-98934829-G-A. GRCh37 (hg19) VCF-style: chr15-99478058-G-A.
Other names: c.2959G>A, p.Val987Ile (NM_001291858.2); short protein forms V987I, V988I.
Identifiers: ClinVar variation 2968365 (VCV002968365.3), dbSNP rs1369647045, ClinGen allele CA393657569.
Genomic context (GRCh38, chr15:98,934,829, plus strand): 5'-CGTTCTGTCTAAGGGCTTGTTTCTGTACCTGCTTTAATTACGGTTTCTTCTCCAGTGTAC[G>A]TTCCTGATGAGTGGGAGGTGGCTCGGGAGAAGATCACCATGAGCCGGGAACTTGGGCAGG-3'
Protein context (NP_000866.1, residues 978-998): PEYFSAADVY[Val988Ile]PDEWEVAREK

ClinVar aggregate classification (germline): Uncertain significance (1 of 4 stars; one submission).

Allele frequency attached by ClinVar (database versions not stated): TOPMed below 0.00001; gnomAD 0.00001.
gnomAD v4.1: 6 of 1,613,832 alleles (0.00037%); highest among the groups gnomAD compares: South Asian, 0.0022%; no homozygotes.

Submission:

Labcorp Genetics (formerly Invitae), Labcorp
Classification: Uncertain significance. Last evaluated: 2023-10-13. Review status: criteria provided, single submitter. Criteria: Invitae Variant Classification Sherloc (09022015). Collection method: clinical testing. Allele origin: germline.
Comment: This sequence change replaces valine, which is neutral and non-polar, with isoleucine, which is neutral and non-polar, at codon 988 of the IGF1R protein (p.Val988Ile). This variant is not present in population databases (gnomAD no frequency). This variant has not been reported in the literature in individuals affected with IGF1R-related conditions. Advanced modeling of protein sequence and biophysical properties (such as structural, functional, and spatial information, amino acid conservation, physicochemical variation, residue mobility, and thermodynamic stability) performed at Invitae indicates that this missense variant is not expected to disrupt IGF1R protein function. In summary, the available evidence is currently insufficient to determine the role of this variant in disease. Therefore, it has been classified as a Variant of Uncertain Significance.